The following is an entry in ClinVar:

ClinVar aggregate classification (germline): Uncertain significance (1 of 4 stars; one submission).

Submission:

Labcorp Genetics (formerly Invitae), Labcorp
Classification: Uncertain significance. Last evaluated: 2025-07-16. Review status: criteria provided, single submitter. Criteria: Invitae Variant Classification Sherloc (09022015). Collection method: clinical testing. Allele origin: germline.
Comment: This sequence change replaces alanine, which is neutral and non-polar, with serine, which is neutral and polar, at codon 275 of the PDX1 protein (p.Ala275Ser). The frequency data for this variant in the population databases is considered unreliable, as metrics indicate poor data quality at this position in the gnomAD database. This variant has not been reported in the literature in individuals affected with PDX1-related conditions. Invitae Evidence Modeling of protein sequence and biophysical properties (such as structural, functional, and spatial information, amino acid conservation, physicochemical variation, residue mobility, and thermodynamic stability) indicates that this missense variant is not expected to disrupt PDX1 protein function with a negative predictive value of 95%. In summary, the available evidence is currently insufficient to determine the role of this variant in disease. Therefore, it has been classified as a Variant of Uncertain Significance.

NM_000209.4(PDX1):c.823G>T (p.Ala275Ser)

Gene: PDX1 (pancreatic and duodenal homeobox 1; plus strand). Cytogenetic location: 13q12.2.
Variant type: single nucleotide variant.
Coding change: c.823G>T on transcript NM_000209.4 (MANE Select); coding-DNA position 823, G replaced by T.
Protein change: p.Ala275Ser; replaces alanine 275 with serine.
Molecular consequence: missense variant.
Genome position (GRCh38, 1-based): chr13:27,924,672, G>T. VCF-style: chr13-27924672-G-T. GRCh37 (hg19) VCF-style: chr13-28498809-G-T.
Other names: short protein forms A275S.
Identifiers: ClinVar variation 4802255 (VCV004802255.1).
Genomic context (GRCh38, chr13:27,924,672, plus strand): 5'-GCCGCCCGAGAGGGCCGCCTGCCGCCTGGCCTTAGCGCGTCGCCACAGCCCTCCAGCGTC[G>T]CGCCTCGGCGGCCGCAGGAACCACGATGAGAGGCAGGAGCTGCTCCTGGCTGAGGGGCTT-3'
Protein context (NP_000200.1, residues 265-283): LSASPQPSSV[Ala275Ser]PRRPQEPR